The following is an entry in ClinVar:

NM_004415.4(DSP):c.5090A>T (p.Asn1697Ile)

Gene: DSP (desmoplakin; plus strand). Cytogenetic location: 6p24.3.
Variant type: single nucleotide variant.
Coding change: c.5090A>T on transcript NM_004415.4 (MANE Select); coding-DNA position 5090, A replaced by T.
Protein change: p.Asn1697Ile; replaces asparagine 1697 with isoleucine.
Molecular consequence: missense variant. On other transcripts: intron variant (2).
Genome position (GRCh38, 1-based): chr6:7,581,280, A>T. VCF-style: chr6-7581280-A-T. GRCh37 (hg19) VCF-style: chr6-7581513-A-T.
Other names: c.4050+1040A>T (NM_001319034.2); c.3583-1362A>T (NM_001008844.3); short protein forms N1697I.
Identifiers: ClinVar variation 1353161 (VCV001353161.8), dbSNP rs2113695564, ClinGen allele CA362687829.

ClinVar aggregate classification (germline): Uncertain significance (1 of 4 stars; one submission).

Conditions:
Arrhythmogenic cardiomyopathy with wooly hair and keratoderma. Also called: Dilated cardiomyopathy with woolly hair and keratoderma; Arrhythmogenic cardiomyopathy with woolly hair and keratoderma; PALMOPLANTAR KERATODERMA WITH LEFT VENTRICULAR CARDIOMYOPATHY AND WOOLLY HAIR; Carvajal syndrome. Identifiers: Orphanet 65282, MedGen C1854063, MONDO:0011581, OMIM 605676.
Arrhythmogenic right ventricular dysplasia 8 (ARVD8). Also called: Arrhythmogenic Right Ventricular Dysplasia/Cardiomyopathy 8; ARRHYTHMOGENIC RIGHT VENTRICULAR DYSPLASIA, FAMILIAL, 8; ARRHYTHMOGENIC RIGHT VENTRICULAR CARDIOMYOPATHY 8. Identifiers: MedGen C1843896, MONDO:0011831, OMIM 607450.

Submission:

Labcorp Genetics (formerly Invitae), Labcorp
Classification: Uncertain significance for Arrhythmogenic cardiomyopathy with wooly hair and keratoderma; Arrhythmogenic right ventricular dysplasia 8. Last evaluated: 2020-12-03. Review status: criteria provided, single submitter. Criteria: Invitae Variant Classification Sherloc (09022015). Collection method: clinical testing. Allele origin: germline.
Comment: In summary, the available evidence is currently insufficient to determine the role of this variant in disease. Therefore, it has been classified as a Variant of Uncertain Significance. This sequence change replaces asparagine with isoleucine at codon 1697 of the DSP protein (p.Asn1697Ile). The asparagine residue is highly conserved and there is a large physicochemical difference between asparagine and isoleucine. Algorithms developed to predict the effect of missense changes on protein structure and function are either unavailable or do not agree on the potential impact of this missense change (SIFT: "Tolerated"; PolyPhen-2: "Probably Damaging"; Align-GVGD: "Class C0"). This variant has not been reported in the literature in individuals with DSP-related conditions. This variant is not present in population databases (ExAC no frequency).